The following is an entry in ClinVar:

ClinVar aggregate classification (germline): Conflicting classifications of pathogenicity. Review status: criteria provided, conflicting classifications (1 of 4 stars). 7 submissions from 7 submitters: Uncertain significance (5); Likely benign (2). Last evaluated 2026-01-19.

Conditions:
Juvenile polyposis syndrome (JPS). Identifiers: Orphanet 2929, MedGen C0345893, MONDO:0017380, OMIM 174900.
Familial thoracic aortic aneurysm and aortic dissection (TAAD). Also called: Thoracic aortic aneurysms and dissections. Identifiers: Orphanet 91387, MedGen C4707243, MONDO:0019625.
Hereditary cancer-predisposing syndrome. Also called: Neoplastic Syndromes, Hereditary; Tumor predisposition; Hereditary neoplastic syndrome; Hereditary Cancer Syndrome. Identifiers: Orphanet 140162, MedGen C0027672, MeSH D009386, MONDO:0015356.
Nephroblastoma. Also called: Wilms' tumor; Wilms tumor. Identifiers: Orphanet 654, MedGen C0027708, MeSH D009396, MONDO:0006058, HP:0002667.
Juvenile polyposis/hereditary hemorrhagic telangiectasia syndrome (JPHT). Also called: JP/HHT SYNDROME; JUVENILE POLYPOSIS WITH HEREDITARY HEMORRHAGIC TELANGIECTASIA; POLYPOSIS, GENERALIZED JUVENILE, WITH PULMONARY ARTERIOVENOUS MALFORMATION; TELANGIECTASIA, HEREDITARY HEMORRHAGIC, WITH JUVENILE POLYPOSIS COLI; Juvenile Polyposis Syndrome / Hereditary Hemorrhagic Telangiectasia (JPS/HHT). Identifiers: Orphanet 2929, MedGen C1832942, MONDO:0008278, OMIM 175050.

Allele frequency attached by ClinVar (database versions not stated): gnomAD 0.00001 and 0.00002; gnomAD exomes 0.00001; TOPMed 0.00002.
gnomAD v4.1: 18 of 1,613,706 alleles (0.0011%); highest among the groups gnomAD compares: East Asian, 0.0022%; no homozygotes.

Submissions (7):

Labcorp Genetics (formerly Invitae), Labcorp
Classification: Likely benign for Juvenile polyposis syndrome. Last evaluated: 2026-01-19. Review status: criteria provided, single submitter. Criteria: Invitae Variant Classification Sherloc (09022015). Collection method: clinical testing. Allele origin: germline.

GeneDx
Classification: Uncertain significance. Last evaluated: 2024-11-07. Review status: criteria provided, single submitter. Criteria: GeneDx Variant Classification Process June 2021. Collection method: clinical testing. Allele origin: germline. Affected: yes.
Comment: In silico analysis indicates that this missense variant does not alter protein structure/function; Not observed at significant frequency in large population cohorts (gnomAD); Has not been previously published as pathogenic or benign to our knowledge; This variant is associated with the following publications: (PMID: 10636916, 36243179)

Baylor Genetics
Classification: Uncertain significance for Juvenile polyposis/hereditary hemorrhagic telangiectasia syndrome. Last evaluated: 2024-03-21. Review status: criteria provided, single submitter. Criteria: ACMG Guidelines, 2015. Collection method: clinical testing. Allele origin: unknown.

Color Diagnostics, LLC DBA Color Health
Classification: Uncertain significance for Hereditary cancer-predisposing syndrome. Last evaluated: 2024-03-06. Review status: criteria provided, single submitter. Criteria: ACMG Guidelines, 2015. Collection method: clinical testing. Allele origin: germline.
Comment: This missense variant replaces proline with leucine at codon 292 of the SMAD4 protein. Computational prediction suggests that this variant may not impact protein structure and function (internally defined REVEL score threshold <= 0.5, PMID: 27666373). To our knowledge, functional studies have not been reported for this variant. This variant has not been reported in individuals affected with SMAD4-related disorders in the literature. This variant has been identified in 4/282602 chromosomes in the general population by the Genome Aggregation Database (gnomAD). The available evidence is insufficient to determine the role of this variant in disease conclusively. Therefore, this variant is classified as a Variant of Uncertain Significance.

All of Us Research Program, National Institutes of Health
Classification: Uncertain significance for Juvenile polyposis/hereditary hemorrhagic telangiectasia syndrome. Last evaluated: 2024-02-05. Review status: criteria provided, single submitter. Criteria: ACMG Guidelines, 2015. Collection method: clinical testing. Allele origin: germline. Inheritance: Autosomal dominant inheritance. Observed: 5 variant alleles, 5 heterozygotes.
Comment: This missense variant replaces proline with leucine at codon 292 of the SMAD4 protein. Computational prediction suggests that this variant may not impact protein structure and function (internally defined REVEL score threshold <= 0.5, PMID: 27666373). To our knowledge, functional studies have not been reported for this variant. This variant has not been reported in individuals affected with SMAD4-related disorders in the literature. This variant has been identified in 4/282602 chromosomes in the general population by the Genome Aggregation Database (gnomAD). The available evidence is insufficient to determine the role of this variant in disease conclusively. Therefore, this variant is classified as a Variant of Uncertain Significance.

This study involves interpretation of variants in research participants for the purpose of population health screening. Participant phenotype was not available at the time of variant classification. Additional details can be found in publication PMID: 35346344, PMCID: PMC8962531

Ambry Genetics
Classification: Likely benign for Hereditary cancer-predisposing syndrome; Familial thoracic aortic aneurysm and aortic dissection. Last evaluated: 2023-02-07. Review status: criteria provided, single submitter. Criteria: Ambry Variant Classification Scheme 2023. Collection method: clinical testing. Allele origin: germline.

St. Jude Molecular Pathology, St. Jude Children's Research Hospital
Classification: Uncertain significance for Wilms Tumor. Last evaluated: 2016-03-02. Review status: criteria provided, single submitter. Criteria: ACMG Guidelines, 2015. Collection method: clinical testing. Allele origin: germline. Affected: yes.

NM_005359.6(SMAD4):c.875C>T (p.Pro292Leu)

Gene: SMAD4 (SMAD family member 4; plus strand). Cytogenetic location: 18q21.2.
Variant type: single nucleotide variant.
Coding change: c.875C>T on transcript NM_005359.6 (MANE Select); coding-DNA position 875, C replaced by T.
Protein change: p.Pro292Leu; replaces proline 292 with leucine.
Molecular consequence: missense variant.
Genome position (GRCh38, 1-based): chr18:51,058,427, C>T. VCF-style: chr18-51058427-C-T. GRCh37 (hg19) VCF-style: chr18-48584797-C-T.
Other names: short protein forms P292L.
Identifiers: ClinVar variation 184326 (VCV000184326.29), dbSNP rs786201404, ClinGen allele CA188612.